The following is an entry in ClinVar:

ClinVar aggregate classification (germline): Uncertain significance (1 of 4 stars; one submission).

Conditions:
Hereditary cancer-predisposing syndrome. Also called: Neoplastic Syndromes, Hereditary; Tumor predisposition; Hereditary neoplastic syndrome; Hereditary Cancer Syndrome. Identifiers: Orphanet 140162, MedGen C0027672, MeSH D009386, MONDO:0015356.
Cardiovascular phenotype. Identifiers: MedGen CN230736.

Submission:

Ambry Genetics
Classification: Uncertain significance for Cardiovascular phenotype; Hereditary cancer-predisposing syndrome. Last evaluated: 2023-07-20. Review status: criteria provided, single submitter. Criteria: Ambry Variant Classification Scheme 2023. Collection method: clinical testing. Allele origin: germline.
Comment: The p.T1273S variant (also known as c.3817A>T), located in coding exon 28 of the NF1 gene, results from an A to T substitution at nucleotide position 3817. The threonine at codon 1273 is replaced by serine, an amino acid with similar properties. This amino acid position is conserved. In addition, this alteration is predicted to be deleterious by in silico analysis. Since supporting evidence is limited at this time, the clinical significance of this alteration remains unclear.

NM_001042492.3(NF1):c.3817A>T (p.Thr1273Ser)

Gene: NF1 (neurofibromin 1; plus strand). Cytogenetic location: 17q11.2.
Variant type: single nucleotide variant.
Coding change: c.3817A>T on transcript NM_001042492.3 (MANE Select); coding-DNA position 3817, A replaced by T.
Protein change: p.Thr1273Ser; replaces threonine 1273 with serine.
Molecular consequence: missense variant.
Genome position (GRCh38, 1-based): chr17:31,235,719, A>T. VCF-style: chr17-31235719-A-T. GRCh37 (hg19) VCF-style: chr17-29562737-A-T.
Other names: c.3817A>T, p.Thr1273Ser (NM_000267.4); short protein forms T1273S.
Identifiers: ClinVar variation 3237753 (VCV003237753.1), dbSNP rs2508259812.